The following is an entry in ClinVar:

NM_001165963.4(SCN1A):c.5407G>A (p.Asp1803Asn)

Genes: SCN1A (sodium voltage-gated channel alpha subunit 1; minus strand), LOC102724058 (uncharacterized LOC102724058; plus strand). Cytogenetic location: 2q24.3.
Variant type: single nucleotide variant.
Coding change: c.5407G>A on transcript NM_001165963.4 (MANE Select); coding-DNA position 5407, G replaced by A.
Protein change: p.Asp1803Asn; replaces aspartic acid 1803 with asparagine.
Molecular consequence: missense variant. On other transcripts: non-coding transcript variant (1).
Genome position (GRCh38, 1-based): chr2:165,991,868, C>T on the plus strand (G>A on the coding strand, the complement: SCN1A is on the minus strand). VCF-style: chr2-165991868-C-T. GRCh37 (hg19) VCF-style: chr2-166848378-C-T.
Other names: c.5323G>A, p.Asp1775Asn (NM_001165964.3, NM_001353957.2, NM_001353958.2); c.5407G>A, p.Asp1803Asn (NM_001202435.3, NM_001353948.2); c.5374G>A, p.Asp1792Asn (NM_001353949.2, NM_001353950.2, NM_001353951.2 and 2 more transcripts); c.5371G>A, p.Asp1791Asn (NM_001353954.2, NM_001353955.2); c.5320G>A, p.Asp1774Asn (NM_001353960.2); c.2965G>A, p.Asp989Asn (NM_001353961.2); short protein forms D1792N, D1803N, D1774N, D1775N, D1791N, D989N.
Identifiers: ClinVar variation 496123 (VCV000496123.1), dbSNP rs1553520143, ClinGen allele CA349067748.

ClinVar aggregate classification (germline): Uncertain significance (1 of 4 stars; one submission).

Submission:

Women's Health and Genetics/Laboratory Corporation of America, LabCorp
Classification: Uncertain significance. Last evaluated: 2017-03-24. Review status: criteria provided, single submitter. Criteria: LabCorp Variant Classification Summary - May 2015. Collection method: clinical testing. Allele origin: germline.
Comment: Variant summary: The SCN1A c.5407G>A (p.Asp1803Asn) variant involves the alteration of a conserved nucleotide. 3/4 in silico tools predict a damaging outcome for this variant (SNPs&GO not captured due to low reliability index) and it is not located in any of the well established functional domains as indicated on the Interpro website (ID P35498). This variant is absent in 121314 control chromosomes. The variant of interest has not, to our knowledge, been reported in affected individuals via publications and/or reputable databases/clinical diagnostic laboratories; nor evaluated for functional impact by in vivo/vitro studies. Because of the absence of clinical information and the lack of functional studies, the variant is classified as a variant of uncertain significance (VUS) until additional information becomes available.